The following is an entry in ClinVar:

NM_001367624.2(ZNF469):c.5698C>T (p.Pro1900Ser)

Gene: ZNF469 (zinc finger protein 469; plus strand). Cytogenetic location: 16q24.2.
Variant type: single nucleotide variant.
Coding change: c.5698C>T on transcript NM_001367624.2 (MANE Select); coding-DNA position 5698, C replaced by T.
Protein change: p.Pro1900Ser; replaces proline 1900 with serine.
Molecular consequence: missense variant.
Genome position (GRCh38, 1-based): chr16:88,433,168, C>T. VCF-style: chr16-88433168-C-T. GRCh37 (hg19) VCF-style: chr16-88499576-C-T.
Other names: NM_001127464.1:c.5614C>T; short protein forms P1900S.
Identifiers: ClinVar variation 1443872 (VCV001443872.4), dbSNP rs754730500, ClinGen allele CA8225100.

ClinVar aggregate classification (germline): Uncertain significance. Review status: criteria provided, multiple submitters, no conflicts (2 of 4 stars). 2 submissions from 2 submitters: Uncertain significance (2). Last evaluated 2023-05-11.

Conditions:
Cardiovascular phenotype. Identifiers: MedGen CN230736.

Allele frequency attached by ClinVar (database versions not stated): ExAC 0.00005.
gnomAD v4.1: 24 of 1,549,810 alleles (0.0015%); highest among the groups gnomAD compares: Middle Eastern, 0.017%; 1 homozygote.

Submissions (2):

Ambry Genetics
Classification: Uncertain significance for Cardiovascular phenotype. Last evaluated: 2023-05-11. Review status: criteria provided, single submitter. Criteria: Ambry Variant Classification Scheme 2023. Collection method: clinical testing. Allele origin: germline.
Comment: The p.P1872S variant (also known as c.5614C>T), located in coding exon 2 of the ZNF469 gene, results from a C to T substitution at nucleotide position 5614. The proline at codon 1872 is replaced by serine, an amino acid with similar properties. This amino acid position is conserved. In addition, this alteration is predicted to be tolerated by in silico analysis. Since supporting evidence is limited at this time, the clinical significance of this alteration remains unclear.

Labcorp Genetics (formerly Invitae), Labcorp
Classification: Uncertain significance. Last evaluated: 2022-01-11. Review status: criteria provided, single submitter. Criteria: Invitae Variant Classification Sherloc (09022015). Collection method: clinical testing. Allele origin: germline.
Comment: This sequence change replaces proline, which is neutral and non-polar, with serine, which is neutral and polar, at codon 1872 of the ZNF469 protein (p.Pro1872Ser). This variant is present in population databases (rs754730500, gnomAD 0.003%). This variant has not been reported in the literature in individuals affected with ZNF469-related conditions. Algorithms developed to predict the effect of missense changes on protein structure and function output the following: SIFT: "Deleterious"; PolyPhen-2: "Benign"; Align-GVGD: "Class C0". The serine amino acid residue is found in multiple mammalian species, which suggests that this missense change does not adversely affect protein function. In summary, the available evidence is currently insufficient to determine the role of this variant in disease. Therefore, it has been classified as a Variant of Uncertain Significance.